The following is an entry in ClinVar:

NC_000011.9:g.(?_111171709)_(112104278_?)dup

Genes: BCO2 (beta-carotene oxygenase 2; plus strand), ALG9 (ALG9 alpha-1,2-mannosyltransferase; minus strand), BTG4 (BTG anti-proliferation factor 4; minus strand), C11orf52 (chromosome 11 open reading frame 52; plus strand), CFAP68 (cilia and flagella associated protein 68; plus strand) and 21 more. Cytogenetic location: 11q23.1.
Variant type: Duplication.
Identifiers: ClinVar variation 2422869 (VCV002422869.5).

ClinVar aggregate classification (germline): Uncertain significance. Review status: criteria provided, single submitter (1 of 4 stars). 2 submissions from 1 submitter: Uncertain significance (2). Last evaluated 2022-10-17.

Conditions:
6-Pyruvoyl-tetrahydrobiopterin synthase deficiency. Also called: 6-Pyruvoyltetrahydropterin Synthase Deficiency; HYPERPHENYLALANINEMIA, TETRAHYDROBIOPTERIN-DEFICIENT, DUE TO PTS DEFICIENCY; PTS-Related Tetrahydrobiopterin Deficiency; PTS DEFICIENCY; Hyperphenylalanemia, BH4-deficient, A; Hyperphenylalaninemia due to 6-pyruvoyl-tetrahydropterin synthase deficiency. Identifiers: Orphanet 13, Orphanet 238583, MedGen C0878676, MONDO:0009863, OMIM 261640.
Pyruvate dehydrogenase E2 deficiency (PDHDD). Also called: Dihydrolipoamide Acetyltransferase (E2) Deficiency; LACTIC ACIDEMIA DUE TO DEFECT OF E2 LIPOYL TRANSACETYLASE OF THE PYRUVATE DEHYDROGENASE COMPLEX. Identifiers: Orphanet 765, Orphanet 79244, MedGen C1855565, MONDO:0009502, OMIM 245348.

Submissions (2):

Labcorp Genetics (formerly Invitae), Labcorp
Classification: Uncertain significance for 6-Pyruvoyl-tetrahydrobiopterin synthase deficiency. Last evaluated: 2022-10-17. Review status: criteria provided, single submitter. Criteria: Invitae Variant Classification Sherloc (09022015). Collection method: clinical testing. Allele origin: germline.
Comment: A copy number gain of the genomic region encompassing the full coding sequence of the PTS gene has been identified. The boundaries of this event are unknown as they extend beyond the assayed region for this gene and therefore may encompass additional genes. As the precise location of this event is unknown, it may be in tandem or it may be located elsewhere in the genome. This variant has not been reported in the literature in individuals affected with PTS-related conditions. In summary, the available evidence is currently insufficient to determine the role of this variant in disease. Therefore, it has been classified as a Variant of Uncertain Significance.

Labcorp Genetics (formerly Invitae), Labcorp
Classification: Uncertain significance for Pyruvate dehydrogenase E2 deficiency. Last evaluated: 2022-10-17. Review status: criteria provided, single submitter. Criteria: Invitae Variant Classification Sherloc (09022015). Collection method: clinical testing. Allele origin: germline.
Comment: In summary, the available evidence is currently insufficient to determine the role of this variant in disease. Therefore, it has been classified as a Variant of Uncertain Significance. This variant has not been reported in the literature in individuals affected with DLAT-related conditions. A copy number gain of the genomic region encompassing the full coding sequence of the DLAT gene has been identified. The boundaries of this event are unknown as they extend beyond the assayed region for this gene and therefore may encompass additional genes. As the precise location of this event is unknown, it may be in tandem or it may be located elsewhere in the genome.